The following is an entry in ClinVar:

ClinVar aggregate classification (germline): Pathogenic (1 of 4 stars; one submission).

Conditions:
Neurofibromatosis, type 1 (NF1). Also called: VON RECKLINGHAUSEN DISEASE; NEUROFIBROMATOSIS, TYPE I, SOMATIC; Neurofibromatosis, type I; Peripheral type neurofibromatosis. Identifiers: Orphanet 636, MedGen C0027831, MONDO:0018975, OMIM 162200. Disease mechanism: loss of function.

Submission:

Labcorp Genetics (formerly Invitae), Labcorp
Classification: Pathogenic for Neurofibromatosis, type 1. Last evaluated: 2023-02-08. Review status: criteria provided, single submitter. Criteria: Invitae Variant Classification Sherloc (09022015). Collection method: clinical testing. Allele origin: germline.
Comment: This variant disrupts a region of the NF1 protein in which other variant(s) (p.Glu1437Lys) have been determined to be pathogenic (PMID: 28961165). This suggests that this is a clinically significant region of the protein, and that variants that disrupt it are likely to be disease-causing. For these reasons, this variant has been classified as Pathogenic. This variant has not been reported in the literature in individuals affected with NF1-related conditions. This variant is not present in population databases (gnomAD no frequency). This variant, c.4309_4317del, results in the deletion of 3 amino acid(s) of the NF1 protein (p.Glu1437_His1439del), but otherwise preserves the integrity of the reading frame.

Literature cited by the submitters: PubMed 28961165.

NM_001042492.3(NF1):c.4372_4380del (p.Glu1458_His1460del)

Gene: NF1 (neurofibromin 1; plus strand). Cytogenetic location: 17q11.2.
Variant type: Deletion.
Coding change: c.4372_4380del on transcript NM_001042492.3 (MANE Select); coding-DNA positions 4372 to 4380, 9 bases deleted (GAAGAACAT; older notation c.4372_4380delGAAGAACAT).
Protein change: p.Glu1458_His1460del.
Molecular consequence: inframe deletion. On other transcripts: inframe indel (1).
Genome position (GRCh38, 1-based): chr17:31,259,071-31,259,079, GAAGAACAT deleted. VCF-style (leftmost placement, unchanged base first): chr17-31259070-AGAAGAACAT-A. GRCh37 (hg19) VCF-style: chr17-29586088-AGAAGAACAT-A.
Other names: c.4309_4317delGAAGAACAT, p.Glu1437_His1439del (NM_000267.4).
Identifiers: ClinVar variation 2833813 (VCV002833813.3), dbSNP rs2508413820, ClinGen allele CA2739267395.